The following is an entry in ClinVar:

NM_015338.6(ASXL1):c.2470G>C (p.Glu824Gln)

Gene: ASXL1 (ASXL transcriptional regulator 1; plus strand). Cytogenetic location: 20q11.21.
Variant type: single nucleotide variant.
Coding change: c.2470G>C on transcript NM_015338.6 (MANE Select); coding-DNA position 2470, G replaced by C.
Protein change: p.Glu824Gln; replaces glutamic acid 824 with glutamine.
Molecular consequence: missense variant.
Genome position (GRCh38, 1-based): chr20:32,435,182, G>C. VCF-style: chr20-32435182-G-C. GRCh37 (hg19) VCF-style: chr20-31022985-G-C.
Other names: c.2287G>C, p.Glu763Gln (NM_001363734.1); short protein forms E763Q, E824Q.
Identifiers: ClinVar variation 2729274 (VCV002729274.5), dbSNP rs532964069, ClinGen allele CA9808626.

ClinVar aggregate classification (germline): Conflicting classifications of pathogenicity. Review status: criteria provided, conflicting classifications (1 of 4 stars). 2 submissions from 2 submitters: Uncertain significance (1); Likely benign (1). Last evaluated 2025-08-30.

Conditions:
Inborn genetic diseases. Identifiers: MedGen C0950123, MeSH D030342.

Allele frequency attached by ClinVar (database versions not stated): ExAC 0.00001; gnomAD 0.00004; TOPMed 0.00004; 1000 Genomes Project 0.00020; 1000 Genomes Project 30x 0.00031.
gnomAD v4.1: 6 of 1,613,910 alleles (0.00037%); highest among the groups gnomAD compares: African/African-American, 0.008%; no homozygotes.

Submissions (2):

Ambry Genetics
Classification: Likely benign for Inborn genetic diseases. Last evaluated: 2025-08-30. Review status: criteria provided, single submitter. Criteria: Ambry Variant Classification Scheme 2023. Collection method: clinical testing. Allele origin: germline.

Labcorp Genetics (formerly Invitae), Labcorp
Classification: Uncertain significance. Last evaluated: 2024-02-05. Review status: criteria provided, single submitter. Criteria: Invitae Variant Classification Sherloc (09022015). Collection method: clinical testing. Allele origin: germline.
Comment: This sequence change replaces glutamic acid, which is acidic and polar, with glutamine, which is neutral and polar, at codon 824 of the ASXL1 protein (p.Glu824Gln). This variant is present in population databases (rs532964069, gnomAD 0.01%). This variant has not been reported in the literature in individuals affected with ASXL1-related conditions. Algorithms developed to predict the effect of missense changes on protein structure and function output the following: SIFT: "Not Available"; PolyPhen-2: "Benign"; Align-GVGD: "Not Available". The glutamine amino acid residue is found in multiple mammalian species, which suggests that this missense change does not adversely affect protein function. In summary, the available evidence is currently insufficient to determine the role of this variant in disease. Therefore, it has been classified as a Variant of Uncertain Significance.